The following is an entry in ClinVar:

ClinVar aggregate classification (germline): Uncertain significance. Review status: criteria provided, multiple submitters, no conflicts (2 of 4 stars). 2 submissions from 2 submitters: Uncertain significance (2). Last evaluated 2024-10-07.

Conditions:
Inborn genetic diseases. Identifiers: MedGen C0950123, MeSH D030342.

Allele frequency attached by ClinVar (database versions not stated): gnomAD 0.00001; gnomAD exomes 0.00001; ExAC 0.00003; TOPMed 0.00005.
gnomAD v4.1: 14 of 1,613,922 alleles (0.00087%); highest among the groups gnomAD compares: African/African-American, 0.0053%; no homozygotes.

Submissions (2):

Labcorp Genetics (formerly Invitae), Labcorp
Classification: Uncertain significance. Last evaluated: 2024-10-07. Review status: criteria provided, single submitter. Criteria: Invitae Variant Classification Sherloc (09022015). Collection method: clinical testing. Allele origin: germline.
Comment: This sequence change replaces arginine, which is basic and polar, with histidine, which is basic and polar, at codon 70 of the PROP1 protein (p.Arg70His). This variant is present in population databases (rs749868829, gnomAD 0.01%). This variant has not been reported in the literature in individuals affected with PROP1-related conditions. ClinVar contains an entry for this variant (Variation ID: 2140496). Invitae Evidence Modeling of protein sequence and biophysical properties (such as structural, functional, and spatial information, amino acid conservation, physicochemical variation, residue mobility, and thermodynamic stability) has been performed for this missense variant. However, the output from this modeling did not meet the statistical confidence thresholds required to predict the impact of this variant on PROP1 protein function. In summary, the available evidence is currently insufficient to determine the role of this variant in disease. Therefore, it has been classified as a Variant of Uncertain Significance.

Ambry Genetics
Classification: Uncertain significance for Inborn genetic diseases. Last evaluated: 2024-09-11. Review status: criteria provided, single submitter. Criteria: Ambry Variant Classification Scheme 2023. Collection method: clinical testing. Allele origin: germline.

NM_006261.5(PROP1):c.209G>A (p.Arg70His)

Gene: PROP1 (PROP paired-like homeobox 1; minus strand). Cytogenetic location: 5q35.3.
Variant type: single nucleotide variant.
Coding change: c.209G>A on transcript NM_006261.5 (MANE Select); coding-DNA position 209, G replaced by A.
Protein change: p.Arg70His; replaces arginine 70 with histidine.
Molecular consequence: missense variant.
Genome position (GRCh38, 1-based): chr5:177,994,239, C>T on the plus strand (G>A on the coding strand, the complement: PROP1 is on the minus strand). VCF-style: chr5-177994239-C-T. GRCh37 (hg19) VCF-style: chr5-177421240-C-T.
Other names: c.209G>A (NM_006261.4); short protein forms R70H.
Identifiers: ClinVar variation 2140496 (VCV002140496.3), dbSNP rs749868829, ClinGen allele CA3587580.